The following is an entry in ClinVar:

ClinVar aggregate classification (germline): Pathogenic. Review status: criteria provided, multiple submitters, no conflicts (2 of 4 stars). 3 submissions from 3 submitters: Pathogenic (2). 1 of the submissions does not count toward it. Last evaluated 2025-01-17.

Conditions:
Familial thoracic aortic aneurysm and aortic dissection (TAAD). Also called: Thoracic aortic aneurysms and dissections. Identifiers: Orphanet 91387, MedGen C4707243, MONDO:0019625.
Marfan syndrome (MFS). Also called: Marfan syndrome, classic; FBN1-Related Marfan Syndrome; Marfan syndrome type 1; Marfan's syndrome; MARFAN SYNDROME, TYPE I. Identifiers: Orphanet 284963, Orphanet 558, MedGen C0024796, MONDO:0007947, OMIM 154700.

Submissions (3):

Ambry Genetics
Classification: Pathogenic for Familial thoracic aortic aneurysm and aortic dissection. Last evaluated: 2025-01-17. Review status: criteria provided, single submitter. Criteria: Ambry Variant Classification Scheme 2023. Collection method: clinical testing. Allele origin: germline.
Comment: The p.C1736* pathogenic mutation (also known as c.5208T>A), located in coding exon 41 of the FBN1 gene, results from a T to A substitution at nucleotide position 5208. This changes the amino acid from a cysteine to a stop codon within coding exon 41. This variant has been reported in association with Marfan syndrome (Spits C et al. Fertil Steril, 2006 Aug;86:310-20). This variant is considered to be rare based on population cohorts in the Genome Aggregation Database (gnomAD). In addition to the clinical data presented in the literature, this alteration is expected to result in loss of function by premature protein truncation or nonsense-mediated mRNA decay. As such, this alteration is interpreted as a disease-causing mutation.

GeneDx
Classification: Pathogenic. Last evaluated: 2014-03-30. Review status: criteria provided, single submitter. Criteria: GeneDx Variant Classification (06012015). Collection method: clinical testing. Allele origin: germline. Affected: yes.
Comment: p.Cys1736Stop (TGT>TGA): c.5208 T>A in exon 42 of the FBN1 gene (NM_000138.4)To our knowledge, the C1736X mutation in the FBN1 gene has not been reported in a peer reviewed journal as a disease-causing mutation or as a benign polymorphism. C1736X is predicted to cause loss of normal protein function either by protein truncation or nonsense-mediated mRNA decay. Other nonsense mutations in the FBN1 gene have been reported in association with Marfan syndrome. In summary, C1736X in the FBN1 gene is interpreted as a disease-causing mutation.The variant is found in TAAD panel(s).

Center for Medical Genetics Ghent, University of Ghent
Classification: Pathogenic for Marfan syndrome. Last evaluated: 2017-11-07. Review status: no assertion criteria provided. Collection method: clinical testing. Allele origin: germline. Affected: yes. Not counted in ClinVar's aggregate classification.

Literature cited by the submitters: PubMed 16756980 (cited by Ambry Genetics).

NM_000138.5(FBN1):c.5208T>A (p.Cys1736Ter)

Gene: FBN1 (fibrillin 1; minus strand). Cytogenetic location: 15q21.1.
Variant type: single nucleotide variant.
Coding change: c.5208T>A on transcript NM_000138.5 (MANE Select); coding-DNA position 5208, T replaced by A.
Protein change: p.Cys1736Ter; replaces cysteine 1736 with a stop codon.
Molecular consequence: nonsense.
Genome position (GRCh38, 1-based): chr15:48,463,098, A>T on the plus strand (T>A on the coding strand, the complement: FBN1 is on the minus strand). VCF-style: chr15-48463098-A-T. GRCh37 (hg19) VCF-style: chr15-48755295-A-T.
Other names: p.C1736X:TGT>TGA; short protein forms C1736*.
Identifiers: ClinVar variation 200060 (VCV000200060.3), dbSNP rs794728234, ClinGen allele CA015708.